The following is an entry in ClinVar:

ClinVar aggregate classification (germline): Uncertain significance (0 of 4 stars; one submission).

Conditions:
HTR2C-related disorder. Also called: HTR2C-related condition.

gnomAD v4.1: 17 of 1,200,303 alleles (0.0014%); highest among the groups gnomAD compares: African/African-American, 0.0035%; no homozygotes.

Submission:

PreventionGenetics, part of Exact Sciences
Classification: Uncertain significance for HTR2C-related condition. Last evaluated: 2024-05-01. Review status: no assertion criteria provided. Collection method: clinical testing. Allele origin: germline.
Comment: The HTR2C c.355G>A variant is predicted to result in the amino acid substitution p.Val119Ile. To our knowledge, this variant has not been reported in the literature or in a large population database, indicating this variant is rare. At this time, the clinical significance of this variant is uncertain due to the absence of conclusive functional and genetic evidence.

NM_000868.4(HTR2C):c.355G>A (p.Val119Ile)

Gene: HTR2C (5-hydroxytryptamine receptor 2C; plus strand). Cytogenetic location: Xq23.
Variant type: single nucleotide variant.
Coding change: c.355G>A on transcript NM_000868.4 (MANE Select); coding-DNA position 355, G replaced by A.
Protein change: p.Val119Ile; replaces valine 119 with isoleucine.
Molecular consequence: missense variant.
Genome position (GRCh38, 1-based): chrX:114,848,008, G>A. VCF-style: chrX-114848008-G-A. GRCh37 (hg19) VCF-style: chrX-114082571-G-A.
Other names: c.355G>A, p.Val119Ile (NM_001256760.3, NM_001256761.3); short protein forms V119I.
Identifiers: ClinVar variation 3349077 (VCV003349077.1).